The following is an entry in ClinVar:

ClinVar aggregate classification (germline): Conflicting classifications of pathogenicity. Review status: criteria provided, conflicting classifications (1 of 4 stars). 3 submissions from 3 submitters: Uncertain significance (2); Likely benign (1). Last evaluated 2024-06-07.

Conditions:
Inborn genetic diseases. Identifiers: MedGen C0950123, MeSH D030342.
Amelocerebrohypohidrotic syndrome (KTZS). Also called: EPILEPSY AND YELLOW TEETH; EPILEPSY, DEMENTIA, AND AMELOGENESIS IMPERFECTA; KOHLSCHUTTER SYNDROME; Kohlschutter's syndrome. Identifiers: Orphanet 1946, MedGen C0406740, MONDO:0009185, OMIM 226750.

Allele frequency attached by ClinVar (database versions not stated): ExAC 0.00005; gnomAD 0.00007 and 0.00009; TOPMed 0.00007; gnomAD exomes 0.00009 and 0.00012; ESP Exome Variant Server 0.00023.
gnomAD v4.1: 180 of 1,613,484 alleles (0.011%); highest among the groups gnomAD compares: Non-Finnish European, 0.014%; no homozygotes.

Submissions (3):

Ambry Genetics
Classification: Likely benign for Inborn genetic diseases. Last evaluated: 2024-06-07. Review status: criteria provided, single submitter. Criteria: Ambry Variant Classification Scheme 2023. Collection method: clinical testing. Allele origin: germline.

Labcorp Genetics (formerly Invitae), Labcorp
Classification: Uncertain significance for Amelocerebrohypohidrotic syndrome. Last evaluated: 2022-08-31. Review status: criteria provided, single submitter. Criteria: Invitae Variant Classification Sherloc (09022015). Collection method: clinical testing. Allele origin: germline.
Comment: This sequence change replaces lysine, which is basic and polar, with arginine, which is basic and polar, at codon 137 of the ROGDI protein (p.Lys137Arg). This variant is present in population databases (rs374819268, gnomAD 0.02%). This variant has not been reported in the literature in individuals affected with ROGDI-related conditions. ClinVar contains an entry for this variant (Variation ID: 885131). Algorithms developed to predict the effect of missense changes on protein structure and function output the following: SIFT: "Tolerated"; PolyPhen-2: "Benign"; Align-GVGD: "Class C0". The arginine amino acid residue is found in multiple mammalian species, which suggests that this missense change does not adversely affect protein function. In summary, the available evidence is currently insufficient to determine the role of this variant in disease. Therefore, it has been classified as a Variant of Uncertain Significance.

Illumina Laboratory Services, Illumina
Classification: Uncertain significance for Kohlschutter syndrome. Last evaluated: 2018-01-13. Review status: criteria provided, single submitter. Criteria: ICSL Variant Classification Criteria 13 December 2019. Collection method: clinical testing. Allele origin: germline.

NM_024589.3(ROGDI):c.410A>G (p.Lys137Arg)

Gene: ROGDI (rogdi atypical leucine zipper; minus strand). Cytogenetic location: 16p13.3.
Variant type: single nucleotide variant.
Coding change: c.410A>G on transcript NM_024589.3 (MANE Select); coding-DNA position 410, A replaced by G.
Protein change: p.Lys137Arg; replaces lysine 137 with arginine.
Molecular consequence: missense variant. On other transcripts: non-coding transcript variant (1).
Genome position (GRCh38, 1-based): chr16:4,799,708, T>C on the plus strand (A>G on the coding strand, the complement: ROGDI is on the minus strand). VCF-style: chr16-4799708-T-C. GRCh37 (hg19) VCF-style: chr16-4849709-T-C.
Other names: c.410A>G (NM_024589.1); short protein forms K137R.
Identifiers: ClinVar variation 885131 (VCV000885131.9), dbSNP rs374819268, ClinGen allele CA7882749.